The following is an entry in ClinVar:

ClinVar aggregate classification (germline): Likely pathogenic (1 of 4 stars; one submission).

Conditions:
Fabry disease. Also called: ALPHA-GALACTOSIDASE A DEFICIENCY; ANDERSON-FABRY DISEASE; CERAMIDE TRIHEXOSIDASE DEFICIENCY; GLA DEFICIENCY; HEREDITARY DYSTOPIC LIPIDOSIS; Angiokeratoma corporis diffusum. Identifiers: Orphanet 324, MedGen C0002986, MONDO:0010526, OMIM 301500, HP:0001071. Disease mechanism: Fabry disease is due to inactivating mutations in the X-linked GLA gene resulting in deficiency of the enzyme Alpha Galactosidase-A., loss of function.

Submission:

Genomenon, Inc
Classification: Likely pathogenic for Fabry disease. Last evaluated: 2026-09-08. Review status: criteria provided, single submitter. Criteria: Genomenon Sequence Variant Interpretation Standards - Updated. Collection method: curation. Allele origin: germline. Affected: yes.
Comment: GLA p.Ala352_Met353insThr (c.1055_1057dup) is an in-frame duplication that results in the insertion of a Threonine between codons 352 and 353. This variant has been observed in at least one proband with clinical features consistent with Fabry disease (PMID:33807900). At least one functional study has demonstrated a substantial alteration in protein function relative to the wild-type (PMID:27657681). It is absent or not present at a significant frequency in gnomAD. In conclusion, we classify GLA p.Ala352_Met353insThr (c.1055_1057dup) as a likely pathogenic variant.

Literature cited by the submitters: PubMed 33807900; PubMed 27657681.

NM_000169.3(GLA):c.1055_1057dup (p.Ala352_Met353insThr)

Genes: GLA (galactosidase alpha; minus strand), RPL36A-HNRNPH2 (RPL36A-HNRNPH2 readthrough; plus strand). Cytogenetic location: Xq22.1.
Variant type: Duplication.
Coding change: c.1055_1057dup on transcript NM_000169.3 (MANE Select); coding-DNA positions 1055 to 1057, 3 bases duplicated (CTA; older notation c.1055_1057dupCTA).
Protein change: p.Ala352_Met353insThr.
Molecular consequence: inframe insertion. On other transcripts: non-coding transcript variant (3), intron variant (2).
Genome position (GRCh38, 1-based): chrX:101,398,042-101,398,044, TAG duplicated on the plus strand (CTA on the coding strand, the reverse complement: GLA is on the minus strand). VCF-style (leftmost placement, unchanged base first): chrX-101398041-A-ATAG. GRCh37 (hg19) VCF-style: chrX-100653029-A-ATAG.
Other names: c.1178_1180dup, p.Ala393_Met394insThr (NM_001406747.1); c.300+2585_300+2587dup (NM_001199973.2); c.177+6220_177+6222dup (NM_001199974.2).
Identifiers: ClinVar variation 4087091 (VCV004087091.2).